The following is an entry in ClinVar:

NM_001379500.1(COL18A1):c.3377dup (p.Arg1127fs)

Genes: COL18A1 (collagen type XVIII alpha 1 chain; plus strand), SLC19A1 (solute carrier family 19 member 1; minus strand). Cytogenetic location: 21q22.3.
Variant type: Duplication.
Coding change: c.3377dup on transcript NM_001379500.1 (MANE Select); coding-DNA position 3377, one base duplicated (C; older notation c.3377dupC).
Protein change: p.Arg1127fs; shifts the reading frame from arginine 1127.
Molecular consequence: frameshift variant.
Genome position (GRCh38, 1-based): chr21:45,509,483, C duplicated; the last of 6 consecutive C bases (chr21:45,509,478-45,509,483); duplicating any one gives the same sequence. VCF-style (leftmost placement, unchanged base first): chr21-45509477-G-GC. GRCh37 (hg19) VCF-style: chr21-46929391-G-GC.
Other names: NM_130445.2:c.3368dup; c.3908dup, p.Arg1304fs (NM_030582.4); c.4613dup, p.Arg1539fs (NM_130444.3); short protein forms R1127fs, R1304fs, R1539fs.
Identifiers: ClinVar variation 3907762 (VCV003907762.1).

ClinVar aggregate classification (germline): Pathogenic (1 of 4 stars; one submission).

Submission:

GeneDx
Classification: Pathogenic. Last evaluated: 2024-12-26. Review status: criteria provided, single submitter. Criteria: GeneDx Variant Classification Process June 2021. Collection method: clinical testing. Allele origin: germline. Affected: yes.
Comment: Frameshift variant predicted to result in protein truncation or nonsense mediated decay in a gene for which loss of function is a known mechanism of disease; Not observed at significant frequency in large population cohorts (gnomAD); Has not been previously published as pathogenic or benign to our knowledge; This variant is associated with the following publications: (PMID: 14695535)